The following is an entry in ClinVar:

ClinVar aggregate classification (germline): Uncertain significance (1 of 4 stars; one submission).

Conditions:
Hereditary nonpolyposis colorectal neoplasms. Identifiers: MedGen C0009405, MeSH D003123.

Submission:

Labcorp Genetics (formerly Invitae), Labcorp
Classification: Uncertain significance for Hereditary nonpolyposis colorectal neoplasms. Last evaluated: 2020-02-26. Review status: criteria provided, single submitter. Criteria: Invitae Variant Classification Sherloc (09022015). Collection method: clinical testing. Allele origin: germline.
Comment: This sequence change replaces valine with glycine at codon 475 of the PMS2 protein (p.Val475Gly). The valine residue is weakly conserved and there is a moderate physicochemical difference between valine and glycine. This variant is not present in population databases (ExAC no frequency). This variant has not been reported in the literature in individuals with PMS2-related conditions. Algorithms developed to predict the effect of missense changes on protein structure and function (SIFT, PolyPhen-2, Align-GVGD) all suggest that this variant is likely to be tolerated, but these predictions have not been confirmed by published functional studies and their clinical significance is uncertain. In summary, the available evidence is currently insufficient to determine the role of this variant in disease. Therefore, it has been classified as a Variant of Uncertain Significance.

NM_000535.7(PMS2):c.1424T>G (p.Val475Gly)

Gene: PMS2 (PMS1 homolog 2, mismatch repair system component; minus strand). Cytogenetic location: 7p22.1.
Variant type: single nucleotide variant.
Coding change: c.1424T>G on transcript NM_000535.7 (MANE Select); coding-DNA position 1424, T replaced by G.
Protein change: p.Val475Gly; replaces valine 475 with glycine.
Molecular consequence: missense variant. On other transcripts: non-coding transcript variant (1).
Genome position (GRCh38, 1-based): chr7:5,987,341, A>C on the plus strand (T>G on the coding strand, the complement: PMS2 is on the minus strand). VCF-style: chr7-5987341-A-C. GRCh37 (hg19) VCF-style: chr7-6026972-A-C.
Other names: c.1019T>G, p.Val340Gly (NM_001322003.2, NM_001322004.2, NM_001322005.2 and 1 more transcripts); c.1268T>G, p.Val423Gly (NM_001322006.2); c.1106T>G, p.Val369Gly (NM_001322007.2, NM_001322008.2); c.863T>G, p.Val288Gly (NM_001322010.2); c.491T>G, p.Val164Gly (NM_001322011.2, NM_001322012.2); c.851T>G, p.Val284Gly (NM_001322013.2); c.1424T>G, p.Val475Gly (NM_001322014.2); c.1115T>G, p.Val372Gly (NM_001322015.2); short protein forms V164G, V284G, V288G, V340G, V369G, V372G, V423G, V475G.
Identifiers: ClinVar variation 1008261 (VCV001008261.9), dbSNP rs587781827, ClinGen allele CA366742033.